The following is an entry in ClinVar:

ClinVar aggregate classification (germline): Pathogenic. Review status: reviewed by expert panel (3 of 4 stars). 2 submissions from 2 submitters: Pathogenic (1). 1 of the submissions does not count toward it. Last evaluated 2025-03-06.

Conditions:
Glanzmann thrombasthenia. Also called: PLATELET GLYCOPROTEIN IIb-IIIa DEFICIENCY; BLEEDING DISORDER, PLATELET-TYPE, 2; THROMBASTHENIA OF GLANZMANN AND NAEGELI; Thrombasthenia; Glanzmann's thrombasthenia. Identifiers: Orphanet 849, MedGen C0040015, MONDO:0100326.

Allele frequency attached by ClinVar (database versions not stated): gnomAD exomes 0.00001.
gnomAD v4.1: 20 of 1,605,988 alleles (0.0012%); highest among the groups gnomAD compares: Non-Finnish European, 0.0016%; no homozygotes.

Submissions (2):

ClinGen Platelet Disorders Variant Curation Expert Panel, ClinGen
Classification: Pathogenic for Glanzmann thrombasthenia. Last evaluated: 2025-03-06. Review status: reviewed by expert panel. Criteria: ClinGen Platelet ACMG Specifications v2-1. Collection method: curation. Allele origin: germline. Inheritance: Autosomal recessive inheritance.
Comment: The NM_000212.3:c.1639T>G variant in ITGB3 is a missense variant predicted to cause substitution of cysteine by glycine at amino acid 547 (p.Cys547Gly). This is a critical cysteine residues for regulation of integrin alphaIIbbeta3 (PMID: 14690453). This variant has been observed in compound heterozygosity in one individual (Patient 3 in PMID: 28748566) in combination with ITGB3 variant c.1192delG (p.Ala398ProfsTer24, provisionally classified as pathogenic by the Platelet Disorders VCEP, trans phase not confirmed). This individual displayed mucocutaneous bleeding and impaired aggregation with all agonists except ristocetin, which is highly specific for Glanzmann thrombasthenia (PP4_Moderate). An additional patient reported in DOI: 10.26502/acmcr.96550268 is compound heterozygous for this variant and the ITGB3 variant c.1552C>T (p.Gln518Ter), classified as pathogenic by the Platelet Disorders VCEP, trans phase confirmed (PM3). The highest population minor allele frequency in gnomAD v4.1 is 0.00001610 (19/1179874 alleles) in the non-Finnish European population, which is lower than the ClinGen Platelet Disorders VCEP threshold (<0.0001; PM2_Supporting). Surface expression of β3 and αIIbβ3 measured by Western blot and flow cytometry (respectively) in HEK293 cells transiently co-transfected with p.Cys547Gly variant β3 and wild type αIIb showed decreased expression at <5%, indicating that this variant impacts protein function (PMID: 25827233) (PS3). Furthermore, the computational predictor REVEL gives a score of 0.993, which is above the ClinGen Platelet Disorders VCEP threshold of >0.7 and predicts a damaging effect on function (PP3). In summary, this variant meets the criteria to be classified as pathogenic for autosomal recessive Glanzmann Thrombasthenia based on the ACMG/AMP criteria applied, as specified by the ClinGen PD VCEP: PS3, PM2_Supporting, PM3, PP3, PP4_Moderate. (VCEP specifications version 2)

Center for Genomic Medicine, Rigshospitalet, Copenhagen University Hospital
Classification: Likely pathogenic. Last evaluated: 2025-03-04. Review status: criteria provided, single submitter. Criteria: ACMG Guidelines, 2015. Collection method: clinical testing. Allele origin: germline. Not counted in ClinVar's aggregate classification.

NM_000212.3(ITGB3):c.1639T>G (p.Cys547Gly)

Gene: ITGB3 (integrin subunit beta 3; plus strand). Cytogenetic location: 17q21.32.
Variant type: single nucleotide variant.
Coding change: c.1639T>G on transcript NM_000212.3 (MANE Select); coding-DNA position 1639, T replaced by G.
Protein change: p.Cys547Gly; replaces cysteine 547 with glycine.
Molecular consequence: missense variant.
Genome position (GRCh38, 1-based): chr17:47,292,517, T>G. VCF-style: chr17-47292517-T-G. GRCh37 (hg19) VCF-style: chr17-45369883-T-G.
Other names: NM_000212.3:c.1639T>G; short protein forms C547G.
Identifiers: ClinVar variation 1879045 (VCV001879045.4), dbSNP rs902952044, ClinGen allele CA291225782.